The following is an entry in ClinVar:

NM_001379291.1(BRD4):c.2627G>A (p.Arg876Gln)

Gene: BRD4 (bromodomain containing 4; minus strand). Cytogenetic location: 19p13.12.
Variant type: single nucleotide variant.
Coding change: c.2627G>A on transcript NM_001379291.1 (MANE Select); coding-DNA position 2627, G replaced by A.
Protein change: p.Arg876Gln; replaces arginine 876 with glutamine.
Molecular consequence: missense variant.
Genome position (GRCh38, 1-based): chr19:15,243,442, C>T on the plus strand (G>A on the coding strand, the complement: BRD4 is on the minus strand). VCF-style: chr19-15243442-C-T. GRCh37 (hg19) VCF-style: chr19-15354253-C-T.
Other names: c.2627G>A, p.Arg876Gln (NM_058243.3); short protein forms R876Q.
Identifiers: ClinVar variation 2094846 (VCV002094846.4), dbSNP rs1324947209, ClinGen allele CA404506156.

ClinVar aggregate classification (germline): Uncertain significance (1 of 4 stars; one submission).

Allele frequency attached by ClinVar (database versions not stated): gnomAD exomes below 0.00001; gnomAD 0.00001; TOPMed 0.00001.
gnomAD v4.1: 8 of 1,574,648 alleles (0.00051%); highest among the groups gnomAD compares: African/African-American, 0.0027%; no homozygotes.

Submission:

Labcorp Genetics (formerly Invitae), Labcorp
Classification: Uncertain significance. Last evaluated: 2023-07-10. Review status: criteria provided, single submitter. Criteria: Invitae Variant Classification Sherloc (09022015). Collection method: clinical testing. Allele origin: germline.
Comment: An algorithm developed to predict the effect of missense changes on protein structure and function (PolyPhen-2) suggests that this variant is likely to be tolerated. In summary, the available evidence is currently insufficient to determine the role of this variant in disease. Therefore, it has been classified as a Variant of Uncertain Significance. ClinVar contains an entry for this variant (Variation ID: 2094846). This sequence change replaces arginine, which is basic and polar, with glutamine, which is neutral and polar, at codon 876 of the BRD4 protein (p.Arg876Gln). The frequency data for this variant in the population databases is considered unreliable, as metrics indicate poor data quality at this position in the gnomAD database. This variant has not been reported in the literature in individuals affected with BRD4-related conditions.